The following is an entry in ClinVar:

ClinVar aggregate classification (germline): Benign/Likely benign. Review status: criteria provided, multiple submitters, no conflicts (2 of 4 stars). 5 submissions from 5 submitters: Benign (3); Likely benign (1). 1 of the submissions does not count toward it. Last evaluated 2026-01-28.

Conditions:
COL17A1-related disorder. Also called: COL17A1-related condition.
Junctional epidermolysis bullosa, non-Herlitz type. Also called: EPIDERMOLYSIS BULLOSA JUNCTIONALIS, DISENTIS TYPE; EPIDERMOLYSIS BULLOSA JUNCTIONALIS, NON-HERLITZ TYPE; EPIDERMOLYSIS BULLOSA JUNCTIONALIS, PROGRESSIVE; EPIDERMOLYSIS BULLOSA JUNCTIONALIS, SEVERE NONLETHAL; Adult junctional epidermolysis bullosa; Epidermolysis bullosa, junctional, non-herlitz type, somatic mosaic revertant. Identifiers: Orphanet 251393, Orphanet 79402, Orphanet 79405, Orphanet 89840, MedGen C0268374, MONDO:0009180, OMIM 226650.

Allele frequency attached by ClinVar (database versions not stated): gnomAD exomes 0.00028 and 0.00084; ExAC 0.00103; gnomAD 0.00330 and 0.00366; 1000 Genomes Project 0.00339; ESP Exome Variant Server 0.00339; TOPMed 0.00360.
gnomAD v4.1: 913 of 1,603,378 alleles (0.057%); highest among the groups gnomAD compares: African/African-American, 1.2%; 5 homozygotes.

Submissions (5):

Labcorp Genetics (formerly Invitae), Labcorp
Classification: Benign. Last evaluated: 2026-01-28. Review status: criteria provided, single submitter. Criteria: Invitae Variant Classification Sherloc (09022015). Collection method: clinical testing. Allele origin: germline.

GeneDx
Classification: Likely benign. Last evaluated: 2019-12-09. Review status: criteria provided, single submitter. Criteria: GeneDx Variant Classification Process June 2021. Collection method: clinical testing. Allele origin: germline. Affected: yes.
Comment: See Variant Classification Assertion Criteria.

Illumina Laboratory Services, Illumina
Classification: Benign for Junctional epidermolysis bullosa, non-Herlitz type. Last evaluated: 2018-01-12. Review status: criteria provided, single submitter. Criteria: ICSL Variant Classification Criteria 13 December 2019. Collection method: clinical testing. Allele origin: germline.
Comment: This variant was observed in the ICSL laboratory as part of a predisposition screen in an ostensibly healthy population. It had not been previously curated by ICSL or reported in the Human Gene Mutation Database (HGMD: prior to June 1st, 2018), and was therefore a candidate for classification through an automated scoring system. Utilizing variant allele frequency, disease prevalence and penetrance estimates, and inheritance mode, an automated score was calculated to assess if this variant is too frequent to cause the disease. Based on the score and internal cut-off values, a variant classified as benign is not then subjected to further curation. The score for this variant resulted in a classification of benign for this disease.

Breakthrough Genomics
Classification: Benign. Review status: criteria provided, single submitter. Criteria: ACMG Guidelines, 2015. Collection method: not provided. Allele origin: germline. Inheritance: Autosomal recessive inheritance. Affected: yes.

PreventionGenetics, part of Exact Sciences
Classification: Benign for COL17A1-related condition. Last evaluated: 2019-10-30. Review status: no assertion criteria provided. Collection method: clinical testing. Allele origin: germline. Not counted in ClinVar's aggregate classification.
Comment: This variant is classified as benign based on ACMG/AMP sequence variant interpretation guidelines (Richards et al. 2015 PMID: 25741868, with internal and published modifications).

NM_000494.4(COL17A1):c.1307G>A (p.Gly436Glu)

Gene: COL17A1 (collagen type XVII alpha 1 chain; minus strand). Cytogenetic location: 10q25.1.
Variant type: single nucleotide variant.
Coding change: c.1307G>A on transcript NM_000494.4 (MANE Select); coding-DNA position 1307, G replaced by A.
Protein change: p.Gly436Glu; replaces glycine 436 with glutamic acid.
Molecular consequence: missense variant.
Genome position (GRCh38, 1-based): chr10:104,057,133, C>T on the plus strand (G>A on the coding strand, the complement: COL17A1 is on the minus strand). VCF-style: chr10-104057133-C-T. GRCh37 (hg19) VCF-style: chr10-105816891-C-T.
Other names: c.1307G>A, p.Gly436Glu (LRG_1249t1); short protein forms G436E.
Identifiers: ClinVar variation 298738 (VCV000298738.16), dbSNP rs61731082, ClinGen allele CA5679074.